The following is an entry in ClinVar:

NM_025137.4(SPG11):c.4757C>G (p.Ala1586Gly)

Gene: SPG11 (SPG11 vesicle trafficking associated, spatacsin; minus strand). Cytogenetic location: 15q21.1.
Variant type: single nucleotide variant.
Coding change: c.4757C>G on transcript NM_025137.4 (MANE Select); coding-DNA position 4757, C replaced by G.
Protein change: p.Ala1586Gly; replaces alanine 1586 with glycine.
Molecular consequence: missense variant.
Genome position (GRCh38, 1-based): chr15:44,589,401, G>C on the plus strand (C>G on the coding strand, the complement: SPG11 is on the minus strand). VCF-style: chr15-44589401-G-C. GRCh37 (hg19) VCF-style: chr15-44881599-G-C.
Other names: c.4757C>G, p.Ala1586Gly (NM_001160227.2); short protein forms A1586G.
Identifiers: ClinVar variation 949316 (VCV000949316.8), dbSNP rs1332100392, ClinGen allele CA392224487.
Genomic context (GRCh38, chr15:44,589,401, plus strand): 5'-AAAAGGAAACACACCTGATCCTCCAGCCACATGGCAGGGATGACAGGGTGGACCTTTGTG[G>C]CTGCTGTGTTAAGCTATGAAAGAAAAAGAGAAGCTTAGGGAAAGCAGTTTCATGAGAATA-3'
Protein context (NP_079413.3, residues 1576-1596): QKSLETLNTA[Ala1586Gly]TKVHPVIPAM

ClinVar aggregate classification (germline): Uncertain significance. Review status: criteria provided, multiple submitters, no conflicts (2 of 4 stars). 2 submissions from 2 submitters: Uncertain significance (2). Last evaluated 2022-07-21.

Conditions:
Hereditary spastic paraplegia 11. Also called: SPASTIC PARAPLEGIA, AUTOSOMAL RECESSIVE, COMPLICATED, WITH THIN CORPUS CALLOSUM; SPASTIC PARAPLEGIA, AUTOSOMAL RECESSIVE, WITH MENTAL IMPAIRMENT AND THIN CORPUS CALLOSUM; Spastic Paraplegia 11; Nakamura Osame syndrome; Autosomal recessive hereditary spastic paraplegia, mental impairment, and thin corpus callosum; Spastic paraplegia, mental retardation and thin corpus callosum. Identifiers: Orphanet 2822, MedGen C1858479, MONDO:0011445, OMIM 604360.

Allele frequency attached by ClinVar (database versions not stated): gnomAD exomes below 0.00001; gnomAD 0.00001; TOPMed 0.00001.
gnomAD v4.1: 4 of 1,614,100 alleles (0.00025%); highest among the groups gnomAD compares: African/African-American, 0.004%; no homozygotes.

Submissions (2):

Athena Diagnostics
Classification: Uncertain significance. Last evaluated: 2022-07-21. Review status: criteria provided, single submitter. Criteria: Athena Diagnostics Criteria. Collection method: clinical testing. Allele origin: unknown.

Labcorp Genetics (formerly Invitae), Labcorp
Classification: Uncertain significance for Hereditary spastic paraplegia 11. Last evaluated: 2021-08-27. Review status: criteria provided, single submitter. Criteria: Invitae Variant Classification Sherloc (09022015). Collection method: clinical testing. Allele origin: germline.
Comment: This sequence change replaces alanine with glycine at codon 1586 of the SPG11 protein (p.Ala1586Gly). The alanine residue is moderately conserved and there is a small physicochemical difference between alanine and glycine. This variant is not present in population databases (ExAC no frequency). This variant has not been reported in the literature in individuals affected with SPG11-related conditions. Algorithms developed to predict the effect of missense changes on protein structure and function (SIFT, PolyPhen-2, Align-GVGD) all suggest that this variant is likely to be tolerated. In summary, the available evidence is currently insufficient to determine the role of this variant in disease. Therefore, it has been classified as a Variant of Uncertain Significance.